The following is an entry in ClinVar:

ClinVar aggregate classification (germline): Uncertain significance. Review status: criteria provided, multiple submitters, no conflicts (2 of 4 stars). 2 submissions from 2 submitters: Uncertain significance (2). Last evaluated 2022-08-17.

Conditions:
Spermatogenic failure 18. Identifiers: MedGen C4539783, MONDO:0054615, OMIM 617576.
Ciliary dyskinesia, primary, 37 (CILD37). Also called: CILIARY DYSKINESIA, PRIMARY, 37, WITH OR WITHOUT SITUS INVERSUS. Identifiers: MedGen C4539798, MONDO:0033204, OMIM 617577.

Allele frequency attached by ClinVar (database versions not stated): ExAC 0.00002; gnomAD 0.00003; TOPMed 0.00005; ESP Exome Variant Server 0.00008.
gnomAD v4.1: 31 of 1,613,828 alleles (0.0019%); highest among the groups gnomAD compares: East Asian, 0.013%; no homozygotes.

Submissions (2):

Labcorp Genetics (formerly Invitae), Labcorp
Classification: Uncertain significance for Ciliary dyskinesia, primary, 37; Spermatogenic failure 18. Last evaluated: 2022-08-17. Review status: criteria provided, single submitter. Criteria: Invitae Variant Classification Sherloc (09022015). Collection method: clinical testing. Allele origin: germline.
Comment: In summary, the available evidence is currently insufficient to determine the role of this variant in disease. Therefore, it has been classified as a Variant of Uncertain Significance. Algorithms developed to predict the effect of missense changes on protein structure and function are either unavailable or do not agree on the potential impact of this missense change (SIFT: "Deleterious"; PolyPhen-2: "Benign"; Align-GVGD: "Class C0"). This variant has not been reported in the literature in individuals affected with DNAH1-related conditions. The frequency data for this variant in the population databases is considered unreliable, as metrics indicate poor data quality at this position in the gnomAD database. This sequence change replaces serine, which is neutral and polar, with leucine, which is neutral and non-polar, at codon 796 of the DNAH1 protein (p.Ser796Leu).

Ambry Genetics
Classification: Uncertain significance. Last evaluated: 2021-07-09. Review status: criteria provided, single submitter. Criteria: Ambry Variant Classification Scheme 2023. Collection method: clinical testing. Allele origin: germline.

NM_015512.5(DNAH1):c.2387C>T (p.Ser796Leu)

Gene: DNAH1 (dynein axonemal heavy chain 1; plus strand). Cytogenetic location: 3p21.1.
Variant type: single nucleotide variant.
Coding change: c.2387C>T on transcript NM_015512.5 (MANE Select); coding-DNA position 2387, C replaced by T.
Protein change: p.Ser796Leu; replaces serine 796 with leucine.
Molecular consequence: missense variant.
Genome position (GRCh38, 1-based): chr3:52,349,281, C>T. VCF-style: chr3-52349281-C-T. GRCh37 (hg19) VCF-style: chr3-52383297-C-T.
Other names: short protein forms S796L.
Identifiers: ClinVar variation 2059734 (VCV002059734.3), dbSNP rs369350834, ClinGen allele CA2433243.